The following is an entry in ClinVar:

NM_144997.7(FLCN):c.778T>G (p.Trp260Gly)

Gene: FLCN (folliculin; minus strand). Cytogenetic location: 17p11.2.
Variant type: single nucleotide variant.
Coding change: c.778T>G on transcript NM_144997.7 (MANE Select); coding-DNA position 778, T replaced by G.
Protein change: p.Trp260Gly; replaces tryptophan 260 with glycine.
Molecular consequence: missense variant.
Genome position (GRCh38, 1-based): chr17:17,222,502, A>C on the plus strand (T>G on the coding strand, the complement: FLCN is on the minus strand). VCF-style: chr17-17222502-A-C. GRCh37 (hg19) VCF-style: chr17-17125816-A-C.
Other names: c.832T>G, p.Trp278Gly (NM_001353229.2); c.778T>G, p.Trp260Gly (NM_001353230.2, NM_001353231.2, NM_144606.7); short protein forms W260G, W278G.
Identifiers: ClinVar variation 1721588 (VCV001721588.6), dbSNP rs2144947767, ClinGen allele CA398533816.

ClinVar aggregate classification (germline): Uncertain significance (1 of 4 stars; one submission).

Conditions:
Birt-Hogg-Dube syndrome. Also called: Birt Hogg Dubé syndrome. Identifiers: Orphanet 122, MedGen C0346010, MONDO:0800444.

Submission:

Labcorp Genetics (formerly Invitae), Labcorp
Classification: Uncertain significance for Birt-Hogg-Dube syndrome. Last evaluated: 2022-10-13. Review status: criteria provided, single submitter. Criteria: Invitae Variant Classification Sherloc (09022015). Collection method: clinical testing. Allele origin: germline.
Comment: This sequence change replaces tryptophan, which is neutral and slightly polar, with glycine, which is neutral and non-polar, at codon 260 of the FLCN protein (p.Trp260Gly). In summary, the available evidence is currently insufficient to determine the role of this variant in disease. Therefore, it has been classified as a Variant of Uncertain Significance. Algorithms developed to predict the effect of missense changes on protein structure and function (SIFT, PolyPhen-2, Align-GVGD) all suggest that this variant is likely to be disruptive. This variant has not been reported in the literature in individuals affected with FLCN-related conditions. This variant is not present in population databases (gnomAD no frequency).